The following is an entry in ClinVar:

ClinVar aggregate classification (germline): Uncertain significance. Review status: criteria provided, multiple submitters, no conflicts (2 of 4 stars). 2 submissions from 2 submitters: Uncertain significance (2). Last evaluated 2024-10-16.

Conditions:
Inborn genetic diseases. Identifiers: MedGen C0950123, MeSH D030342.

Allele frequency attached by ClinVar (database versions not stated): gnomAD exomes 0.00001 and 0.00002; ExAC 0.00002; TOPMed 0.00002.
gnomAD v4.1: 6 of 1,613,346 alleles (0.00037%); highest among the groups gnomAD compares: Admixed American, 0.01%; no homozygotes.

Submissions (2):

Labcorp Genetics (formerly Invitae), Labcorp
Classification: Uncertain significance. Last evaluated: 2024-10-16. Review status: criteria provided, single submitter. Criteria: Invitae Variant Classification Sherloc (09022015). Collection method: clinical testing. Allele origin: germline.
Comment: This sequence change replaces glutamic acid, which is acidic and polar, with glycine, which is neutral and non-polar, at codon 1882 of the FAT4 protein (p.Glu1882Gly). This variant is present in population databases (rs757125413, gnomAD 0.01%). This variant has not been reported in the literature in individuals affected with FAT4-related conditions. ClinVar contains an entry for this variant (Variation ID: 1461246). Invitae Evidence Modeling of protein sequence and biophysical properties (such as structural, functional, and spatial information, amino acid conservation, physicochemical variation, residue mobility, and thermodynamic stability) indicates that this missense variant is not expected to disrupt FAT4 protein function with a negative predictive value of 95%. In summary, the available evidence is currently insufficient to determine the role of this variant in disease. Therefore, it has been classified as a Variant of Uncertain Significance.

Ambry Genetics
Classification: Uncertain significance for Inborn genetic diseases. Last evaluated: 2021-07-20. Review status: criteria provided, single submitter. Criteria: Ambry Variant Classification Scheme 2023. Collection method: clinical testing. Allele origin: germline.

NM_001291303.3(FAT4):c.5645A>G (p.Glu1882Gly)

Gene: FAT4 (FAT atypical cadherin 4; plus strand). Cytogenetic location: 4q28.1.
Variant type: single nucleotide variant.
Coding change: c.5645A>G on transcript NM_001291303.3 (MANE Select); coding-DNA position 5645, A replaced by G.
Protein change: p.Glu1882Gly; replaces glutamic acid 1882 with glycine.
Molecular consequence: missense variant.
Genome position (GRCh38, 1-based): chr4:125,408,519, A>G. VCF-style: chr4-125408519-A-G. GRCh37 (hg19) VCF-style: chr4-126329674-A-G.
Other names: c.5645A>G, p.Glu1882Gly (NM_001291285.3, NM_024582.6); c.5645A>G (NM_024582.4); short protein forms E1882G.
Identifiers: ClinVar variation 1461246 (VCV001461246.6), dbSNP rs757125413, ClinGen allele CA3072772.